The following is an entry in ClinVar:

NM_001197104.2(KMT2A):c.6589C>T (p.Arg2197Cys)

Gene: KMT2A (lysine methyltransferase 2A; plus strand). Cytogenetic location: 11q23.3.
Variant type: single nucleotide variant.
Coding change: c.6589C>T on transcript NM_001197104.2 (MANE Select); coding-DNA position 6589, C replaced by T.
Protein change: p.Arg2197Cys; replaces arginine 2197 with cysteine.
Molecular consequence: missense variant.
Genome position (GRCh38, 1-based): chr11:118,502,481, C>T. VCF-style: chr11-118502481-C-T. GRCh37 (hg19) VCF-style: chr11-118373196-C-T.
Other names: c.6679C>T, p.Arg2227Cys (NM_001412597.1); c.6580C>T, p.Arg2194Cys (NM_005933.4); short protein forms R2194C, R2197C, R2227C.
Identifiers: ClinVar variation 3011861 (VCV003011861.3), dbSNP rs377156559, ClinGen allele CA6304273.
Genomic context (GRCh38, chr11:118,502,481, plus strand): 5'-GAAATAGTCACAGTAGGTGATCCTTTACTCTCCTCTGGACTTCGAAGCATTGGCTCCAGG[C>T]GTCACAGTACCTCTTCCTTATCACCCCAGCGGTCCAAACTCCGGATAATGTCTCCAATGA-3'
Protein context (NP_001184033.1, residues 2187-2207): SSGLRSIGSR[Arg2197Cys]HSTSSLSPQR

ClinVar aggregate classification (germline): Uncertain significance (1 of 4 stars; one submission).

Allele frequency attached by ClinVar (database versions not stated): ExAC 0.00002; ESP Exome Variant Server 0.00008.
gnomAD v4.1: 20 of 1,613,726 alleles (0.0012%); highest among the groups gnomAD compares: Admixed American, 0.0033%; no homozygotes.

Submission:

Labcorp Genetics (formerly Invitae), Labcorp
Classification: Uncertain significance. Last evaluated: 2025-04-28. Review status: criteria provided, single submitter. Criteria: Invitae Variant Classification Sherloc (09022015). Collection method: clinical testing. Allele origin: germline.
Comment: This sequence change replaces arginine, which is basic and polar, with cysteine, which is neutral and slightly polar, at codon 2197 of the KMT2A protein (p.Arg2197Cys). This variant is present in population databases (rs377156559, gnomAD 0.004%). This variant has not been reported in the literature in individuals affected with KMT2A-related conditions. ClinVar contains an entry for this variant (Variation ID: 3011861). Invitae Evidence Modeling of protein sequence and biophysical properties (such as structural, functional, and spatial information, amino acid conservation, physicochemical variation, residue mobility, and thermodynamic stability) has been performed for this missense variant. However, the output from this modeling did not meet the statistical confidence thresholds required to predict the impact of this variant on KMT2A protein function. In summary, the available evidence is currently insufficient to determine the role of this variant in disease. Therefore, it has been classified as a Variant of Uncertain Significance.